The following is an entry in ClinVar:

ClinVar aggregate classification (germline): Uncertain significance (1 of 4 stars; one submission).

Submission:

GeneDx
Classification: Uncertain significance. Last evaluated: 2024-11-22. Review status: criteria provided, single submitter. Criteria: GeneDx Variant Classification Process June 2021. Collection method: clinical testing. Allele origin: germline. Affected: yes.
Comment: Not observed at significant frequency in large population cohorts (gnomAD); In silico analysis supports that this missense variant has a deleterious effect on protein structure/function; Has not been previously published as pathogenic or benign to our knowledge

NM_005639.3(SYT1):c.119T>A (p.Phe40Tyr)

Gene: SYT1 (synaptotagmin 1; plus strand). Cytogenetic location: 12q21.2.
Variant type: single nucleotide variant.
Coding change: c.119T>A on transcript NM_005639.3 (MANE Select); coding-DNA position 119, T replaced by A.
Protein change: p.Phe40Tyr; replaces phenylalanine 40 with tyrosine.
Molecular consequence: missense variant.
Genome position (GRCh38, 1-based): chr12:79,217,638, T>A. VCF-style: chr12-79217638-T-A. GRCh37 (hg19) VCF-style: chr12-79611418-T-A.
Other names: c.119T>A, p.Phe40Tyr (NM_001135805.2, NM_001135806.2, NM_001291901.2 and 6 more transcripts); short protein forms F40Y.
Identifiers: ClinVar variation 3900149 (VCV003900149.1).